The following is an entry in ClinVar:

NM_001244008.2(KIF1A):c.4431G>T (p.Gln1477His)

Gene: KIF1A (kinesin family member 1A; minus strand). Cytogenetic location: 2q37.3.
Variant type: single nucleotide variant.
Coding change: c.4431G>T on transcript NM_001244008.2 (MANE Select); coding-DNA position 4431, G replaced by T.
Protein change: p.Gln1477His; replaces glutamine 1477 with histidine.
Molecular consequence: missense variant.
Genome position (GRCh38, 1-based): chr2:240,723,446, C>A on the plus strand (G>T on the coding strand, the complement: KIF1A is on the minus strand). VCF-style: chr2-240723446-C-A. GRCh37 (hg19) VCF-style: chr2-241662863-C-A.
Other names: c.4155G>T, p.Gln1385His (NM_001320705.2, NM_001379649.1); c.4182G>T, p.Gln1394His (NM_001330289.2); c.4230G>T, p.Gln1410His (NM_001330290.2, NM_001379648.1); c.4506G>T, p.Gln1502His (NM_001379631.1); c.4407G>T, p.Gln1469His (NM_001379632.1); c.4404G>T, p.Gln1468His (NM_001379633.1, NM_001379645.1); c.4257G>T, p.Gln1419His (NM_001379634.1); c.4254G>T, p.Gln1418His (NM_001379635.1, NM_001379646.1); and 7 more; short protein forms Q1385H, Q1418H, Q1419H, Q1375H, Q1384H, Q1394H, Q1469H, Q1477H.
Identifiers: ClinVar variation 1473427 (VCV001473427.6), dbSNP rs2045640006, ClinGen allele CA351305135.

ClinVar aggregate classification (germline): Uncertain significance (1 of 4 stars; one submission).

Conditions:
Hereditary spastic paraplegia 30. Identifiers: Orphanet 101010, MedGen C5235139, MONDO:0012476.
Neuropathy, hereditary sensory, type 2C. Also called: KIF1A-Related HSAN2 (HSAN2C); Hereditary sensory and autonomic neuropathy type IIC. Identifiers: Orphanet 970, MedGen C3280168, MONDO:0013634, OMIM 614213.
Intellectual disability, autosomal dominant 9 (NESCAVS). Also called: KIF1A-Related Neurodevelopmental Disorder; NESCAV SYNDROME. Identifiers: Orphanet 662367, MedGen C5393830, MONDO:0013656, OMIM 614255.

Allele frequency attached by ClinVar (database versions not stated): gnomAD exomes below 0.00001.
gnomAD v4.1: 1 of 1,551,996 alleles (0.000064%); highest among the groups gnomAD compares: Non-Finnish European, 0.000087%; no homozygotes.

Submission:

Labcorp Genetics (formerly Invitae), Labcorp
Classification: Uncertain significance for Hereditary spastic paraplegia 30; Neuropathy, hereditary sensory, type 2C; Intellectual disability, autosomal dominant 9. Last evaluated: 2021-11-06. Review status: criteria provided, single submitter. Criteria: Invitae Variant Classification Sherloc (09022015). Collection method: clinical testing. Allele origin: germline.
Comment: This sequence change replaces glutamine, which is neutral and polar, with histidine, which is basic and polar, at codon 1376 of the KIF1A protein (p.Gln1376His). This variant is not present in population databases (gnomAD no frequency). This variant has not been reported in the literature in individuals affected with KIF1A-related conditions. Advanced modeling of protein sequence and biophysical properties (such as structural, functional, and spatial information, amino acid conservation, physicochemical variation, residue mobility, and thermodynamic stability) performed at Invitae indicates that this missense variant is not expected to disrupt KIF1A protein function. In summary, the available evidence is currently insufficient to determine the role of this variant in disease. Therefore, it has been classified as a Variant of Uncertain Significance.